The following is an entry in ClinVar:

ClinVar aggregate classification (germline): Uncertain significance. Review status: criteria provided, multiple submitters, no conflicts (2 of 4 stars). 2 submissions from 2 submitters: Uncertain significance (2). Last evaluated 2026-01-18.

Allele frequency attached by ClinVar (database versions not stated): ExAC 0.00004; gnomAD 0.00007.
gnomAD v4.1: 34 of 1,613,876 alleles (0.0021%); highest among the groups gnomAD compares: East Asian, 0.051%; no homozygotes.

Submissions (2):

Labcorp Genetics (formerly Invitae), Labcorp
Classification: Uncertain significance. Last evaluated: 2026-01-18. Review status: criteria provided, single submitter. Criteria: Invitae Variant Classification Sherloc (09022015). Collection method: clinical testing. Allele origin: germline.
Comment: This sequence change replaces threonine, which is neutral and polar, with alanine, which is neutral and non-polar, at codon 674 of the ANKZF1 protein (p.Thr674Ala). This variant is present in population databases (rs749652753, gnomAD 0.09%), and has an allele count higher than expected for a pathogenic variant. This variant has not been reported in the literature in individuals affected with ANKZF1-related conditions. ClinVar contains an entry for this variant (Variation ID: 2170525). An algorithm developed to predict the effect of missense changes on protein structure and function outputs the following: PolyPhen-2: "Benign". The alanine amino acid residue is found in multiple mammalian species, which suggests that this missense change does not adversely affect protein function. In summary, the available evidence is currently insufficient to determine the role of this variant in disease. Therefore, it has been classified as a Variant of Uncertain Significance.

Ambry Genetics
Classification: Uncertain significance. Last evaluated: 2025-03-01. Review status: criteria provided, single submitter. Criteria: Ambry Variant Classification Scheme 2023. Collection method: clinical testing. Allele origin: germline.

NM_018089.3(ANKZF1):c.2020A>G (p.Thr674Ala)

Gene: ANKZF1 (ankyrin repeat and zinc finger peptidyl tRNA hydrolase 1; plus strand). Cytogenetic location: 2q35.
Variant type: single nucleotide variant.
Coding change: c.2020A>G on transcript NM_018089.3 (MANE Select); coding-DNA position 2020, A replaced by G.
Protein change: p.Thr674Ala; replaces threonine 674 with alanine.
Molecular consequence: missense variant.
Genome position (GRCh38, 1-based): chr2:219,236,058, A>G. VCF-style: chr2-219236058-A-G. GRCh37 (hg19) VCF-style: chr2-220100780-A-G.
Other names: c.2020A>G (NM_018089.2); c.2020A>G, p.Thr674Ala (NM_001042410.2); c.1390A>G, p.Thr464Ala (NM_001282792.2); short protein forms T464A, T674A.
Identifiers: ClinVar variation 2170525 (VCV002170525.5), dbSNP rs749652753, ClinGen allele CA2121280.